The following is an entry in ClinVar:

ClinVar aggregate classification (germline): Uncertain significance (1 of 4 stars; one submission).

gnomAD v4.1: 5 of 1,611,786 alleles (0.00031%); highest among the groups gnomAD compares: South Asian, 0.0033%; no homozygotes.

Submission:

Labcorp Genetics (formerly Invitae), Labcorp
Classification: Uncertain significance. Last evaluated: 2025-11-04. Review status: criteria provided, single submitter. Criteria: Invitae Variant Classification Sherloc (09022015). Collection method: clinical testing. Allele origin: germline.
Comment: This sequence change replaces arginine, which is basic and polar, with cysteine, which is neutral and slightly polar, at codon 1310 of the CNTNAP1 protein (p.Arg1310Cys). This variant is not present in population databases (gnomAD no frequency). This variant has not been reported in the literature in individuals affected with CNTNAP1-related conditions. ClinVar contains an entry for this variant (Variation ID: 3629301). An algorithm developed to predict the effect of missense changes on protein structure and function (PolyPhen-2) suggests that this variant is likely to be disruptive. In summary, the available evidence is currently insufficient to determine the role of this variant in disease. Therefore, it has been classified as a Variant of Uncertain Significance.

NM_003632.3(CNTNAP1):c.3928C>T (p.Arg1310Cys)

Gene: CNTNAP1 (contactin associated protein 1; plus strand). Cytogenetic location: 17q21.2.
Variant type: single nucleotide variant.
Coding change: c.3928C>T on transcript NM_003632.3 (MANE Select); coding-DNA position 3928, C replaced by T.
Protein change: p.Arg1310Cys; replaces arginine 1310 with cysteine.
Molecular consequence: missense variant.
Genome position (GRCh38, 1-based): chr17:42,698,683, C>T. VCF-style: chr17-42698683-C-T. GRCh37 (hg19) VCF-style: chr17-40850701-C-T.
Other names: short protein forms R1310C.
Identifiers: ClinVar variation 3629301 (VCV003629301.2).